The following is an entry in ClinVar:

NM_001909.5(CTSD):c.132G>C (p.Glu44Asp)

Genes: PRADX (PRC2 and DDX5 associated lncRNA; plus strand), CTSD (cathepsin D; minus strand). Cytogenetic location: 11p15.5.
Variant type: single nucleotide variant.
Coding change: c.132G>C on transcript NM_001909.5 (MANE Select); coding-DNA position 132, G replaced by C.
Protein change: p.Glu44Asp; replaces glutamic acid 44 with aspartic acid.
Molecular consequence: missense variant.
Genome position (GRCh38, 1-based): chr11:1,761,405, C>G on the plus strand (G>C on the coding strand, the complement: CTSD is on the minus strand). VCF-style: chr11-1761405-C-G. GRCh37 (hg19) VCF-style: chr11-1782635-C-G.
Other names: short protein forms E44D.
Identifiers: ClinVar variation 2194432 (VCV002194432.1), dbSNP rs985529538, ClinGen allele CA216180962.

ClinVar aggregate classification (germline): Uncertain significance (1 of 4 stars; one submission).

Conditions:
Neuronal ceroid lipofuscinosis. Also called: Neuronal Ceroid Lipofuscinoses. Identifiers: Orphanet 216, Orphanet 79263, MedGen C0027877, MONDO:0016295. Disease mechanism: loss of function.

Allele frequency attached by ClinVar (database versions not stated): gnomAD exomes 0.00001; gnomAD 0.00003; TOPMed 0.00003.

Submission:

Labcorp Genetics (formerly Invitae), Labcorp
Classification: Uncertain significance for Neuronal ceroid lipofuscinosis. Last evaluated: 2022-01-08. Review status: criteria provided, single submitter. Criteria: Invitae Variant Classification Sherloc (09022015). Collection method: clinical testing. Allele origin: germline.
Comment: This sequence change replaces glutamic acid, which is acidic and polar, with aspartic acid, which is acidic and polar, at codon 44 of the CTSD protein (p.Glu44Asp). This variant is present in population databases (no rsID available, gnomAD 0.007%). This variant has not been reported in the literature in individuals affected with CTSD-related conditions. Algorithms developed to predict the effect of missense changes on protein structure and function (SIFT, PolyPhen-2, Align-GVGD) all suggest that this variant is likely to be tolerated. In summary, the available evidence is currently insufficient to determine the role of this variant in disease. Therefore, it has been classified as a Variant of Uncertain Significance.